The following is an entry in ClinVar:

NM_007294.4(BRCA1):c.871T>A (p.Leu291Ile)

Gene: BRCA1 (BRCA1 DNA repair associated; minus strand). Cytogenetic location: 17q21.31.
Variant type: single nucleotide variant.
Coding change: c.871T>A on transcript NM_007294.4 (MANE Select); coding-DNA position 871, T replaced by A.
Protein change: p.Leu291Ile; replaces leucine 291 with isoleucine.
Molecular consequence: missense variant. On other transcripts: 5 prime UTR variant (2), intron variant (137).
Genome position (GRCh38, 1-based): chr17:43,094,660, A>T on the plus strand (T>A on the coding strand, the complement: BRCA1 is on the minus strand). VCF-style: chr17-43094660-A-T. GRCh37 (hg19) VCF-style: chr17-41246677-A-T.
Other names: c.658T>A, p.Leu220Ile (NM_001407571.1, NM_001407853.1, NM_001407894.1 and 9 more transcripts); c.871T>A, p.Leu291Ile (NM_001407581.1, NM_001407582.1, NM_001407583.1 and 30 more transcripts); c.868T>A, p.Leu290Ile (NM_001407587.1, NM_001407590.1, NM_001407591.1 and 22 more transcripts); c.862T>A, p.Leu288Ile (NM_001407646.1, NM_001407647.1); c.748T>A, p.Leu250Ile (NM_001407648.1, NM_001407664.1, NM_001407665.1 and 19 more transcripts); c.745T>A, p.Leu249Ile (NM_001407649.1, NM_001407670.1, NM_001407671.1 and 11 more transcripts); c.793T>A, p.Leu265Ile (NM_001407653.1, NM_001407654.1, NM_001407655.1 and 4 more transcripts); c.790T>A, p.Leu264Ile (NM_001407659.1, NM_001407660.1, NM_001407661.1 and 1 more transcripts); and 40 more; short protein forms L123I, L163I, L164I, L179I, L180I, L202I, L203I, L220I.
Identifiers: ClinVar variation 3226179 (VCV003226179.3), dbSNP rs1209004897, ClinGen allele CA10600336.

ClinVar aggregate classification (germline): Uncertain significance. Review status: criteria provided, multiple submitters, no conflicts (2 of 4 stars). 2 submissions from 2 submitters: Uncertain significance (2). Last evaluated 2024-07-19.

Conditions:
Hereditary cancer-predisposing syndrome. Also called: Neoplastic Syndromes, Hereditary; Tumor predisposition; Hereditary neoplastic syndrome; Hereditary Cancer Syndrome. Identifiers: Orphanet 140162, MedGen C0027672, MeSH D009386, MONDO:0015356.
Hereditary breast ovarian cancer syndrome. Also called: Hereditary breast and ovarian cancer syndrome (HBOC); Breast and ovarian cancer; Hereditary breast and/or ovarian cancer syndrome; BRCA1- and BRCA2-Associated Hereditary Breast and Ovarian Cancer; Hereditary breast and ovarian cancer syndrome; Hereditary breast and ovarian cancer. Identifiers: Orphanet 145, MedGen C0677776, MeSH D061325, MONDO:0003582. Disease mechanism: loss of function.

Submissions (2):

Labcorp Genetics (formerly Invitae), Labcorp
Classification: Uncertain significance for Hereditary breast ovarian cancer syndrome. Last evaluated: 2024-07-19. Review status: criteria provided, single submitter. Criteria: Invitae Variant Classification Sherloc (09022015). Collection method: clinical testing. Allele origin: germline.
Comment: This sequence change replaces leucine, which is neutral and non-polar, with isoleucine, which is neutral and non-polar, at codon 291 of the BRCA1 protein (p.Leu291Ile). This variant is not present in population databases (gnomAD no frequency). This variant has not been reported in the literature in individuals affected with BRCA1-related conditions. Advanced modeling of protein sequence and biophysical properties (such as structural, functional, and spatial information, amino acid conservation, physicochemical variation, residue mobility, and thermodynamic stability) performed at Invitae indicates that this missense variant is not expected to disrupt BRCA1 protein function with a negative predictive value of 95%. In summary, the available evidence is currently insufficient to determine the role of this variant in disease. Therefore, it has been classified as a Variant of Uncertain Significance.

Ambry Genetics
Classification: Uncertain significance for Hereditary cancer-predisposing syndrome. Last evaluated: 2023-09-18. Review status: criteria provided, single submitter. Criteria: Ambry Variant Classification Scheme 2023. Collection method: clinical testing. Allele origin: germline.
Comment: The p.L291I variant (also known as c.871T>A), located in coding exon 9 of the BRCA1 gene, results from a T to A substitution at nucleotide position 871. The leucine at codon 291 is replaced by isoleucine, an amino acid with highly similar properties. This amino acid position is well conserved in available vertebrate species. In addition, the in silico prediction for this alteration is inconclusive. Since supporting evidence is limited at this time, the clinical significance of this alteration remains unclear.